The following is an entry in ClinVar:

ClinVar aggregate classification (germline): Likely pathogenic (1 of 4 stars; one submission).

gnomAD v4.1: 17 of 1,613,344 alleles (0.0011%); highest among the groups gnomAD compares: Non-Finnish European, 0.0014%; no homozygotes.

Submission:

Labcorp Genetics (formerly Invitae), Labcorp
Classification: Likely pathogenic. Last evaluated: 2025-03-18. Review status: criteria provided, single submitter. Criteria: Invitae Variant Classification Sherloc (09022015). Collection method: clinical testing. Allele origin: germline.
Comment: This sequence change affects an acceptor splice site in intron 7 of the SPTA1 gene. It is expected to disrupt RNA splicing. Variants that disrupt the donor or acceptor splice site typically lead to a loss of protein function (PMID: 16199547), and loss-of-function variants in SPTA1 are known to be pathogenic (PMID: 9192783, 18815189, 31333484, 31723846, 32266426). This variant is not present in population databases (gnomAD no frequency). Disruption of this splice site has been observed in individual(s) with hereditary spherocytosis (PMID: 31602632). Algorithms developed to predict the effect of sequence changes on RNA splicing suggest that this variant may disrupt the consensus splice site. In summary, the currently available evidence indicates that the variant is pathogenic, but additional data are needed to prove that conclusively. Therefore, this variant has been classified as Likely Pathogenic.

Literature cited by the submitters: PubMed 16199547; PubMed 9192783; PubMed 18815189; PubMed 31333484; PubMed 31723846; PubMed 32266426; PubMed 31602632.

NM_003126.4(SPTA1):c.958-1G>C

Gene: SPTA1 (spectrin alpha, erythrocytic 1; minus strand). Cytogenetic location: 1q23.1.
Variant type: single nucleotide variant.
Coding change: c.958-1G>C on transcript NM_003126.4 (MANE Select); the canonical splice acceptor site of the intron before coding-DNA position 958, G replaced by C.
Molecular consequence: splice acceptor variant.
Genome position (GRCh38, 1-based): chr1:158,676,296, C>G on the plus strand (G>C on the coding strand, the complement: SPTA1 is on the minus strand). VCF-style: chr1-158676296-C-G. GRCh37 (hg19) VCF-style: chr1-158646086-C-G.
Identifiers: ClinVar variation 4781758 (VCV004781758.1).